The following is an entry in ClinVar:

ClinVar aggregate classification (germline): Uncertain significance (1 of 4 stars; one submission).

Conditions:
Inborn genetic diseases. Identifiers: MedGen C0950123, MeSH D030342.

Submission:

Ambry Genetics
Classification: Uncertain significance for Inborn genetic diseases. Last evaluated: 2024-01-11. Review status: criteria provided, single submitter. Criteria: Ambry Variant Classification Scheme 2023. Collection method: clinical testing. Allele origin: germline.
Comment: The p.I693V variant (also known as c.2077A>G), located in coding exon 9 of the ATR gene, results from an A to G substitution at nucleotide position 2077. The isoleucine at codon 693 is replaced by valine, an amino acid with highly similar properties. This amino acid position is conserved. In addition, this alteration is predicted to be tolerated by in silico analysis. Since supporting evidence is limited at this time, the clinical significance of this alteration remains unclear.

NM_001184.4(ATR):c.2077A>G (p.Ile693Val)

Gene: ATR (ATR checkpoint kinase; minus strand). Cytogenetic location: 3q23.
Variant type: single nucleotide variant.
Coding change: c.2077A>G on transcript NM_001184.4 (MANE Select); coding-DNA position 2077, A replaced by G.
Protein change: p.Ile693Val; replaces isoleucine 693 with valine.
Molecular consequence: missense variant.
Genome position (GRCh38, 1-based): chr3:142,556,384, T>C on the plus strand (A>G on the coding strand, the complement: ATR is on the minus strand). VCF-style: chr3-142556384-T-C. GRCh37 (hg19) VCF-style: chr3-142275226-T-C.
Other names: c.1885A>G, p.Ile629Val (NM_001354579.2); short protein forms I629V, I693V.
Identifiers: ClinVar variation 1785475 (VCV001785475.2), dbSNP rs2473398094, ClinGen allele CA354819062.